The following is an entry in ClinVar:

ClinVar aggregate classification (germline): Pathogenic (1 of 4 stars; one submission).

Conditions:
Peroxisome biogenesis disorder. Identifiers: Orphanet 79189, MedGen C1832200, MONDO:0019234. Disease mechanism: loss of function.

Submission:

Labcorp Genetics (formerly Invitae), Labcorp
Classification: Pathogenic for Peroxisome biogenesis disorder. Last evaluated: 2025-09-02. Review status: criteria provided, single submitter. Criteria: Invitae Variant Classification Sherloc (09022015). Collection method: clinical testing. Allele origin: germline.
Comment: This sequence change creates a premature translational stop signal (p.Gly709Trpfs*21) in the PEX6 gene. It is expected to result in an absent or disrupted protein product. Loss-of-function variants in PEX6 are known to be pathogenic (PMID: 10408779, 21031596, 31831025). This variant is not present in population databases (gnomAD no frequency). This variant has not been reported in the literature in individuals affected with PEX6-related conditions. ClinVar contains an entry for this variant (Variation ID: 2116497). For these reasons, this variant has been classified as Pathogenic.

Literature cited by the submitters: PubMed 10408779; PubMed 21031596; PubMed 31831025.

NM_000287.4(PEX6):c.2120dup (p.Gly709fs)

Gene: PEX6 (peroxisomal biogenesis factor 6; minus strand). Cytogenetic location: 6p21.1.
Variant type: Duplication.
Coding change: c.2120dup on transcript NM_000287.4 (MANE Select); coding-DNA position 2120, one base duplicated (T; older notation c.2120dupT).
Protein change: p.Gly709fs; shifts the reading frame from glycine 709.
Molecular consequence: frameshift variant.
Genome position (GRCh38, 1-based): chr6:42,966,422, A duplicated on the plus strand (T on the coding strand, the reverse complement: PEX6 is on the minus strand). VCF-style (leftmost placement, unchanged base first): chr6-42966421-C-CA. GRCh37 (hg19) VCF-style: chr6-42934159-C-CA.
Other names: c.1856dup, p.Gly621fs (NM_001316313.2); short protein forms G621fs, G709fs.
Identifiers: ClinVar variation 2116497 (VCV002116497.4), dbSNP rs2481208968, ClinGen allele CA2580074627.